The following is an entry in ClinVar:

NM_000361.3(THBD):c.*520C>G

Gene: THBD (thrombomodulin; minus strand). Cytogenetic location: 20p11.21.
Variant type: single nucleotide variant.
Coding change: c.*520C>G on transcript NM_000361.3 (MANE Select); 520 bases downstream of the stop codon, C replaced by G.
Molecular consequence: 3 prime UTR variant.
Genome position (GRCh38, 1-based): chr20:23,047,257, G>C on the plus strand (C>G on the coding strand, the complement: THBD is on the minus strand). VCF-style: chr20-23047257-G-C. GRCh37 (hg19) VCF-style: chr20-23027894-G-C.
Identifiers: ClinVar variation 337868 (VCV000337868.5), dbSNP rs41282276, ClinGen allele CA10652992.

ClinVar aggregate classification (germline): Benign (1 of 4 stars; one submission).

Conditions:
Atypical hemolytic-uremic syndrome with thrombomodulin anomaly. Also called: HEMOLYTIC UREMIC SYNDROME, ATYPICAL, SUSCEPTIBILITY TO, 6; AHUS, SUSCEPTIBILITY TO, 6. Identifiers: MedGen C2752036, MONDO:0013044, OMIM 612926. Disease mechanism: gain of function.

Allele frequency attached by ClinVar (database versions not stated): gnomAD 0.00453; 1000 Genomes Project 0.00080; 1000 Genomes Project 30x 0.00172; TOPMed 0.00255; gnomAD exomes 0.00288.

Submission:

Illumina Laboratory Services, Illumina
Classification: Benign for Atypical hemolytic-uremic syndrome with thrombomodulin anomaly. Last evaluated: 2018-01-12. Review status: criteria provided, single submitter. Criteria: ICSL Variant Classification Criteria 13 December 2019. Collection method: clinical testing. Allele origin: germline.
Comment: This variant was observed in the ICSL laboratory as part of a predisposition screen in an ostensibly healthy population. It had not been previously curated by ICSL or reported in the Human Gene Mutation Database (HGMD: prior to June 1st, 2018), and was therefore a candidate for classification through an automated scoring system. Utilizing variant allele frequency, disease prevalence and penetrance estimates, and inheritance mode, an automated score was calculated to assess if this variant is too frequent to cause the disease. Based on the score and internal cut-off values, a variant classified as benign is not then subjected to further curation. The score for this variant resulted in a classification of benign for this disease.